The following is an entry in ClinVar:

NM_032776.3(JMJD1C):c.157C>G (p.Pro53Ala)

Genes: JMJD1C (jumonji domain containing 1C; minus strand), JMJD1C-AS1 (JMJD1C antisense RNA 1; plus strand). Cytogenetic location: 10q21.3.
Variant type: single nucleotide variant.
Coding change: c.157C>G on transcript NM_032776.3 (MANE Select); coding-DNA position 157, C replaced by G.
Protein change: p.Pro53Ala; replaces proline 53 with alanine.
Molecular consequence: missense variant. On other transcripts: non-coding transcript variant (1), intron variant (2).
Genome position (GRCh38, 1-based): chr10:63,465,506, G>C on the plus strand (C>G on the coding strand, the complement: JMJD1C is on the minus strand). VCF-style: chr10-63465506-G-C. GRCh37 (hg19) VCF-style: chr10-65225266-G-C.
Other names: c.157C>G, p.Pro53Ala (NM_001322252.2); c.-384+56232C>G (NM_001322258.2); c.-379+56232C>G (NM_001318154.2); short protein forms P53A.
Identifiers: ClinVar variation 842120 (VCV000842120.9), dbSNP rs748149848, ClinGen allele CA5519199.
Genomic context (GRCh38, chr10:63,465,506, plus strand): 5'-AGCCGGGTGCGGGCGCGGCAGGGGAAAAGGGGGGCGCTGACTCTCTTACCGCCAGGTCCG[G>C]ATTGCGGCTGTCCCTGTGTGACACGGCTCGGATGACCCCCGCTCGCCAGCTTCGCCAGCC-3'
Protein context (NP_116165.1, residues 43-63): RAVSHRDSRN[Pro53Ala]DLAVYVEFDD

ClinVar aggregate classification (germline): Uncertain significance (1 of 4 stars; one submission).

Conditions:
Early Myoclonic Encephalopathy. Identifiers: MedGen C0270855.

Allele frequency attached by ClinVar (database versions not stated): gnomAD 0.00002 and 0.00001.
gnomAD v4.1: 9 of 1,604,014 alleles (0.00056%); highest among the groups gnomAD compares: Admixed American, 0.0084%; no homozygotes.

Submission:

Labcorp Genetics (formerly Invitae), Labcorp
Classification: Uncertain significance for Early Myoclonic Encephalopathy. Last evaluated: 2025-08-11. Review status: criteria provided, single submitter. Criteria: Invitae Variant Classification Sherloc (09022015). Collection method: clinical testing. Allele origin: germline.
Comment: This sequence change replaces proline, which is neutral and non-polar, with alanine, which is neutral and non-polar, at codon 53 of the JMJD1C protein (p.Pro53Ala). This variant is present in population databases (rs748149848, gnomAD 0.009%). This variant has not been reported in the literature in individuals affected with JMJD1C-related conditions. ClinVar contains an entry for this variant (Variation ID: 842120). An algorithm developed to predict the effect of missense changes on protein structure and function (PolyPhen-2) suggests that this variant is likely to be disruptive. In summary, the available evidence is currently insufficient to determine the role of this variant in disease. Therefore, it has been classified as a Variant of Uncertain Significance.